The following is an entry in ClinVar:

NM_000038.6(APC):c.8351T>A (p.Phe2784Tyr)

Gene: APC (APC regulator of Wnt signaling pathway; plus strand). Cytogenetic location: 5q22.2.
Variant type: single nucleotide variant.
Coding change: c.8351T>A on transcript NM_000038.6 (MANE Select); coding-DNA position 8351, T replaced by A.
Protein change: p.Phe2784Tyr; replaces phenylalanine 2784 with tyrosine.
Molecular consequence: missense variant. On other transcripts: non-coding transcript variant (2).
Genome position (GRCh38, 1-based): chr5:112,843,945, T>A. VCF-style: chr5-112843945-T-A. GRCh37 (hg19) VCF-style: chr5-112179642-T-A.
Other names: c.8351T>A, p.Phe2784Tyr (NM_001127510.3, NM_001354895.2, NM_001407450.1); c.8297T>A, p.Phe2766Tyr (NM_001127511.3); c.8405T>A, p.Phe2802Tyr (NM_001354896.2, NM_001407447.1, NM_001407448.1 and 1 more transcripts); c.8381T>A, p.Phe2794Tyr (NM_001354897.2); c.8276T>A, p.Phe2759Tyr (NM_001354898.2); c.8267T>A, p.Phe2756Tyr (NM_001354899.2); c.8228T>A, p.Phe2743Tyr (NM_001354900.2); c.8174T>A, p.Phe2725Tyr (NM_001354901.2, NM_001407453.1); and 11 more; short protein forms F2400Y, F2655Y, F2756Y, F2774Y, F2812Y, F2624Y, F2683Y, F2725Y.
Identifiers: ClinVar variation 4581714 (VCV004581714.1).

ClinVar aggregate classification (germline): Uncertain significance (1 of 4 stars; one submission).

Conditions:
Hereditary cancer-predisposing syndrome. Also called: Neoplastic Syndromes, Hereditary; Tumor predisposition; Hereditary Cancer Syndrome; Hereditary neoplastic syndrome. Identifiers: Orphanet 140162, MedGen C0027672, MeSH D009386, MONDO:0015356.

Submission:

Ambry Genetics
Classification: Uncertain significance for Hereditary cancer-predisposing syndrome. Last evaluated: 2025-10-09. Review status: criteria provided, single submitter. Criteria: Ambry Variant Classification Scheme 2023. Collection method: clinical testing. Allele origin: germline.
Comment: The p.F2784Y variant (also known as c.8351T>A), located in coding exon 15 of the APC gene, results from a T to A substitution at nucleotide position 8351. The phenylalanine at codon 2784 is replaced by tyrosine, an amino acid with highly similar properties. This amino acid position is conserved. In addition, in silico predictors for this gene do not accurately predict pathogenicity. Based on the available evidence, the clinical significance of this variant remains unclear.